The following is an entry in ClinVar:

ClinVar aggregate classification (germline): Uncertain significance (1 of 4 stars; one submission).

gnomAD v4.1: 2 of 1,614,162 alleles (0.00012%); highest among the groups gnomAD compares: South Asian, 0.0011%; no homozygotes.

Submission:

Labcorp Genetics (formerly Invitae), Labcorp
Classification: Uncertain significance. Last evaluated: 2021-08-09. Review status: criteria provided, single submitter. Criteria: Invitae Variant Classification Sherloc (09022015). Collection method: clinical testing. Allele origin: germline.
Comment: This variant is not present in population databases (ExAC no frequency). This sequence change replaces histidine with arginine at codon 876 of the VCAN protein (p.His876Arg). The histidine residue is highly conserved and there is a small physicochemical difference between histidine and arginine. This variant has not been reported in the literature in individuals affected with VCAN-related conditions. Algorithms developed to predict the effect of missense changes on protein structure and function output the following: SIFT: "Deleterious"; PolyPhen-2: "Benign"; Align-GVGD: "Class C0". The arginine amino acid residue is found in multiple mammalian species, which suggests that this missense change does not adversely affect protein function. In summary, the available evidence is currently insufficient to determine the role of this variant in disease. Therefore, it has been classified as a Variant of Uncertain Significance.

NM_004385.5(VCAN):c.2627A>G (p.His876Arg)

Gene: VCAN (versican; plus strand). Cytogenetic location: 5q14.3.
Variant type: single nucleotide variant.
Coding change: c.2627A>G on transcript NM_004385.5 (MANE Select); coding-DNA position 2627, A replaced by G.
Protein change: p.His876Arg; replaces histidine 876 with arginine.
Molecular consequence: missense variant. On other transcripts: intron variant (2).
Genome position (GRCh38, 1-based): chr5:83,520,933, A>G. VCF-style: chr5-83520933-A-G. GRCh37 (hg19) VCF-style: chr5-82816752-A-G.
Other names: c.2627A>G, p.His876Arg (NM_001164098.2); c.1042+8537A>G (NM_001164097.2, NM_001126336.3); short protein forms H876R.
Identifiers: ClinVar variation 1476809 (VCV001476809.6), dbSNP rs1326245795, ClinGen allele CA360304345.